The following is an entry in ClinVar:

ClinVar aggregate classification (germline): Uncertain significance (1 of 4 stars; one submission).

Submission:

Dasa
Classification: Uncertain significance. Last evaluated: 2024-09-23. Review status: criteria provided, single submitter. Criteria: DASA Assertion Criteria. Collection method: clinical testing. Allele origin: germline.
Comment: NM_170606.3(KMT2C):c.89C>T (p.Ala30Val) is a missense variant that results in the substitution of alanine with valine. This variant is rare in population databases. Computational prediction algorithms are consistent with a benign effect. The currently available literature and clinical evidence are not sufficient to establish a definitive association between this variant and the reported condition. Therefore, this variant is classified as a variant of uncertain significance.

NM_170606.3(KMT2C):c.89C>T (p.Ala30Val)

Gene: KMT2C (lysine methyltransferase 2C; minus strand). Cytogenetic location: 7q36.1.
Variant type: single nucleotide variant.
Coding change: c.89C>T on transcript NM_170606.3 (MANE Select); coding-DNA position 89, C replaced by T.
Protein change: p.Ala30Val; replaces alanine 30 with valine.
Molecular consequence: missense variant.
Genome position (GRCh38, 1-based): chr7:152,435,698, G>A on the plus strand (C>T on the coding strand, the complement: KMT2C is on the minus strand). VCF-style: chr7-152435698-G-A. GRCh37 (hg19) VCF-style: chr7-152132783-G-A.
Other names: short protein forms A30V.
Identifiers: ClinVar variation 4881370 (VCV004881370.2).